The following is an entry in ClinVar:

NM_015107.3(PHF8):c.2735A>C (p.Asn912Thr)

Gene: PHF8 (PHD finger protein 8; minus strand). Cytogenetic location: Xp11.22.
Variant type: single nucleotide variant.
Coding change: c.2735A>C on transcript NM_015107.3 (MANE Select); coding-DNA position 2735, A replaced by C.
Protein change: p.Asn912Thr; replaces asparagine 912 with threonine.
Molecular consequence: missense variant.
Genome position (GRCh38, 1-based): chrX:53,940,431, T>G on the plus strand (A>C on the coding strand, the complement: PHF8 is on the minus strand). VCF-style: chrX-53940431-T-G. GRCh37 (hg19) VCF-style: chrX-53966864-T-G.
Other names: c.2843A>C, p.Asn948Thr (NM_001184896.1); c.2432A>C, p.Asn811Thr (NM_001184897.2); c.2540A>C, p.Asn847Thr (NM_001441096.1); short protein forms N811T, N847T, N912T, N948T.
Identifiers: ClinVar variation 5018010 (VCV005018010.1).

ClinVar aggregate classification (germline): Uncertain significance (1 of 4 stars; one submission).

Submission:

GeneDx
Classification: Uncertain significance. Last evaluated: 2026-03-31. Review status: criteria provided, single submitter. Criteria: GeneDx Variant Classification Process June 2021. Collection method: clinical testing. Allele origin: germline.
Comment: Not observed at significant frequency in large population cohorts (gnomAD); In silico analysis suggests that this missense variant does not alter protein structure/function; Has not been previously published as pathogenic or benign to our knowledge